The following is an entry in ClinVar:

NM_005591.4(MRE11):c.434G>C (p.Ser145Thr)

Gene: MRE11 (MRE11 double strand break repair nuclease; minus strand). Cytogenetic location: 11q21.
Variant type: single nucleotide variant.
Coding change: c.434G>C on transcript NM_005591.4 (MANE Select); coding-DNA position 434, G replaced by C.
Protein change: p.Ser145Thr; replaces serine 145 with threonine.
Molecular consequence: missense variant.
Genome position (GRCh38, 1-based): chr11:94,478,845, C>G on the plus strand (G>C on the coding strand, the complement: MRE11 is on the minus strand). VCF-style: chr11-94478845-C-G. GRCh37 (hg19) VCF-style: chr11-94212011-C-G.
Other names: c.434G>C, p.Ser145Thr (NM_001330347.2, NM_005590.4); short protein forms S145T.
Identifiers: ClinVar variation 1799818 (VCV001799818.3), dbSNP rs771615477, ClinGen allele CA382377707.
Genomic context (GRCh38, chr11:94,478,845, plus strand): 5'-CTAATGTCTATCTTCTCCACAGACATTGAACGTCCAAAGTGATTTACAAATCCAGCACAA[C>G]TTAAAATGTCCAAGGCACAAAGTGCATCTGCCTATGCAAAATAATTTCAAAGAATGTTAG-3'
Protein context (NP_005582.1, residues 135-155): ADALCALDIL[Ser145Thr]CAGFVNHFGR

ClinVar aggregate classification (germline): Uncertain significance (1 of 4 stars; one submission).

Conditions:
Hereditary cancer-predisposing syndrome. Also called: Neoplastic Syndromes, Hereditary; Tumor predisposition; Hereditary Cancer Syndrome; Hereditary neoplastic syndrome. Identifiers: Orphanet 140162, MedGen C0027672, MeSH D009386, MONDO:0015356.

gnomAD v4.1: 1 of 1,613,824 alleles (0.000062%); highest among the groups gnomAD compares: South Asian, 0.0011%; no homozygotes.

Submission:

Ambry Genetics
Classification: Uncertain significance for Hereditary cancer-predisposing syndrome. Last evaluated: 2025-05-23. Review status: criteria provided, single submitter. Criteria: Ambry Variant Classification Scheme 2023. Collection method: clinical testing. Allele origin: germline.
Comment: The p.S145T variant (also known as c.434G>C), located in coding exon 5 of the MRE11A gene, results from a G to C substitution at nucleotide position 434. The serine at codon 145 is replaced by threonine, an amino acid with similar properties. This amino acid position is conserved. In addition, this alteration is predicted to be deleterious by in silico analysis. Since supporting evidence is limited at this time, the clinical significance of this alteration remains unclear.